The following is an entry in ClinVar:

ClinVar aggregate classification (germline): Uncertain significance. Review status: criteria provided, multiple submitters, no conflicts (2 of 4 stars). 2 submissions from 2 submitters: Uncertain significance (2). Last evaluated 2026-04-12.

Conditions:
Catecholaminergic polymorphic ventricular tachycardia 1. Also called: VENTRICULAR TACHYCARDIA, CATECHOLAMINERGIC POLYMORPHIC, 1, WITH OR WITHOUT ATRIAL DYSFUNCTION AND/OR DILATED CARDIOMYOPATHY; RYR2-Related Catecholaminergic Polymorphic Ventricular Tachycardia; VENTRICULAR TACHYCARDIA, STRESS-INDUCED POLYMORPHIC 1. Identifiers: Orphanet 3286, MedGen C1631597, MONDO:0011484, OMIM 604772.
Cardiovascular phenotype. Identifiers: MedGen CN230736.

gnomAD v4.1: 6 of 1,613,104 alleles (0.00037%); highest among the groups gnomAD compares: Non-Finnish European, 0.00051%; no homozygotes.

Submissions (2):

Ambry Genetics
Classification: Uncertain significance for Cardiovascular phenotype. Last evaluated: 2026-04-12. Review status: criteria provided, single submitter. Criteria: Ambry Variant Classification Scheme 2023. Collection method: clinical testing. Allele origin: germline.
Comment: The p.L84V variant (also known as c.250C>G), located in coding exon 2 of the CASQ2 gene, results from a C to G substitution at nucleotide position 250. The leucine at codon 84 is replaced by valine, an amino acid with highly similar properties. This amino acid position is conserved. In addition, this alteration is predicted to be tolerated by in silico analysis. Based on the available evidence, the clinical significance of this variant remains unclear.

Labcorp Genetics (formerly Invitae), Labcorp
Classification: Uncertain significance for Catecholaminergic polymorphic ventricular tachycardia 1. Last evaluated: 2025-01-19. Review status: criteria provided, single submitter. Criteria: Invitae Variant Classification Sherloc (09022015). Collection method: clinical testing. Allele origin: germline.
Comment: This sequence change replaces leucine, which is neutral and non-polar, with valine, which is neutral and non-polar, at codon 84 of the CASQ2 protein (p.Leu84Val). This variant is present in population databases (no rsID available, gnomAD 0.003%). This variant has not been reported in the literature in individuals affected with CASQ2-related conditions. Invitae Evidence Modeling of protein sequence and biophysical properties (such as structural, functional, and spatial information, amino acid conservation, physicochemical variation, residue mobility, and thermodynamic stability) has been performed for this missense variant. However, the output from this modeling did not meet the statistical confidence thresholds required to predict the impact of this variant on CASQ2 protein function. In summary, the available evidence is currently insufficient to determine the role of this variant in disease. Therefore, it has been classified as a Variant of Uncertain Significance.

NM_001232.4(CASQ2):c.250C>G (p.Leu84Val)

Gene: CASQ2 (calsequestrin 2; minus strand). Cytogenetic location: 1p13.1.
Variant type: single nucleotide variant.
Coding change: c.250C>G on transcript NM_001232.4 (MANE Select); coding-DNA position 250, C replaced by G.
Protein change: p.Leu84Val; replaces leucine 84 with valine.
Molecular consequence: missense variant.
Genome position (GRCh38, 1-based): chr1:115,744,897, G>C on the plus strand (C>G on the coding strand, the complement: CASQ2 is on the minus strand). VCF-style: chr1-115744897-G-C. GRCh37 (hg19) VCF-style: chr1-116287518-G-C.
Other names: short protein forms L84V.
Identifiers: ClinVar variation 3665051 (VCV003665051.3).